The following is an entry in ClinVar:

NM_000492.4(CFTR):c.1919T>G (p.Phe640Cys)

Gene: CFTR (CF transmembrane conductance regulator; plus strand). Cytogenetic location: 7q31.2.
Variant type: single nucleotide variant.
Coding change: c.1919T>G on transcript NM_000492.4 (MANE Select); coding-DNA position 1919, T replaced by G.
Protein change: p.Phe640Cys; replaces phenylalanine 640 with cysteine.
Molecular consequence: missense variant.
Genome position (GRCh38, 1-based): chr7:117,592,086, T>G. VCF-style: chr7-117592086-T-G. GRCh37 (hg19) VCF-style: chr7-117232140-T-G.
Other names: short protein forms F640C.
Identifiers: ClinVar variation 2657959 (VCV002657959.24), dbSNP rs2485109450, ClinGen allele CA368978804.

ClinVar aggregate classification (germline): Uncertain significance (1 of 4 stars; one submission).

Submission:

CeGaT Center for Human Genetics Tuebingen
Classification: Uncertain significance. Last evaluated: 2023-10-01. Review status: criteria provided, single submitter. Criteria: CeGaT Center For Human Genetics Tuebingen Variant Classification Criteria Version 2. Collection method: clinical testing. Allele origin: germline. Affected: yes. Observed: 1 variant allele.
Comment: CFTR: PM2, PP3